The following is an entry in ClinVar:

ClinVar aggregate classification (germline): Uncertain significance (1 of 4 stars; one submission).

gnomAD v4.1: 9 of 1,203,544 alleles (0.00075%); highest among the groups gnomAD compares: Non-Finnish European, 0.001%; no homozygotes.

Submission:

Labcorp Genetics (formerly Invitae), Labcorp
Classification: Uncertain significance. Last evaluated: 2024-11-25. Review status: criteria provided, single submitter. Criteria: Invitae Variant Classification Sherloc (09022015). Collection method: clinical testing. Allele origin: germline.
Comment: This sequence change replaces aspartic acid, which is acidic and polar, with histidine, which is basic and polar, at codon 1231 of the POLA1 protein (p.Asp1231His). The frequency data for this variant in the population databases is considered unreliable, as metrics indicate poor data quality at this position in the gnomAD database. This variant has not been reported in the literature in individuals affected with POLA1-related conditions. Invitae Evidence Modeling of protein sequence and biophysical properties (such as structural, functional, and spatial information, amino acid conservation, physicochemical variation, residue mobility, and thermodynamic stability) indicates that this missense variant is expected to disrupt POLA1 protein function with a positive predictive value of 80%. In summary, the available evidence is currently insufficient to determine the role of this variant in disease. Therefore, it has been classified as a Variant of Uncertain Significance.

NM_001330360.2(POLA1):c.3709G>C (p.Asp1237His)

Gene: POLA1 (DNA polymerase alpha 1, catalytic subunit; plus strand). Cytogenetic location: Xp22.11.
Variant type: single nucleotide variant.
Coding change: c.3709G>C on transcript NM_001330360.2 (MANE Select); coding-DNA position 3709, G replaced by C.
Protein change: p.Asp1237His; replaces aspartic acid 1237 with histidine.
Molecular consequence: missense variant. On other transcripts: non-coding transcript variant (2).
Genome position (GRCh38, 1-based): chrX:24,826,574, G>C. VCF-style: chrX-24826574-G-C. GRCh37 (hg19) VCF-style: chrX-24844691-G-C.
Other names: c.3634G>C, p.Asp1212His (NM_001378303.1); c.3691G>C, p.Asp1231His (NM_016937.4); short protein forms D1212H, D1231H, D1237H.
Identifiers: ClinVar variation 3613752 (VCV003613752.2).